The following is an entry in ClinVar:

NM_006725.5(CD6):c.770C>T (p.Ala257Val)

Gene: CD6 (CD6 molecule; plus strand). Cytogenetic location: 11q12.2.
Variant type: single nucleotide variant.
Coding change: c.770C>T on transcript NM_006725.5 (MANE Select); coding-DNA position 770, C replaced by T.
Protein change: p.Ala257Val; replaces alanine 257 with valine.
Molecular consequence: missense variant. On other transcripts: non-coding transcript variant (1).
Genome position (GRCh38, 1-based): chr11:61,008,834, C>T. VCF-style: chr11-61008834-C-T. GRCh37 (hg19) VCF-style: chr11-60776306-C-T.
Other names: c.770C>T, p.Ala257Val (NM_001254750.2, NM_001254751.2); short protein forms A257V.
Identifiers: ClinVar variation 3059536 (VCV003059536.2), dbSNP rs2074225, ClinGen allele CA6029981.
Genomic context (GRCh38, chr11:61,008,834, plus strand): 5'-TGTGGGACTGCCCGGGGCTGCCAGGACAGCACTACTGCGGCCACAAAGAGGACGCGGGCG[C>T]GGTGTGCTCAGGTCAGTGGGCGGAGTCACTGAAGCCCGGTCACTACCAACACTCACCATA-3'
Protein context (NP_006716.3, residues 247-267): HYCGHKEDAG[Ala257Val]VCSEHQSWRL

ClinVar aggregate classification (germline): Benign (0 of 4 stars; one submission).

Conditions:
CD6-related disorder. Also called: CD6-related condition.

Allele frequency attached by ClinVar (database versions not stated): 1000 Genomes Project 0.53634; 1000 Genomes Project 30x 0.54419; ESP Exome Variant Server 0.54845; ExAC 0.54973; gnomAD exomes 0.57436; gnomAD 0.57583; TOPMed 0.59184.
gnomAD v4.1: 888,454 of 1,545,390 alleles (57%); highest among the groups gnomAD compares: Middle Eastern, 75%; 258,994 homozygotes.

Submission:

PreventionGenetics, part of Exact Sciences
Classification: Benign for CD6-related condition. Last evaluated: 2019-09-24. Review status: no assertion criteria provided. Collection method: clinical testing. Allele origin: germline.
Comment: This variant is classified as benign based on ACMG/AMP sequence variant interpretation guidelines (Richards et al. 2015 PMID: 25741868, with internal and published modifications).